The following is an entry in ClinVar:

ClinVar aggregate classification (germline): Likely pathogenic. Review status: criteria provided, multiple submitters, no conflicts (2 of 4 stars). 2 submissions from 2 submitters: Likely pathogenic (2). Last evaluated 2024-10-07.

Submissions (2):

GeneDx
Classification: Likely pathogenic. Last evaluated: 2024-10-07. Review status: criteria provided, single submitter. Criteria: GeneDx Variant Classification Process June 2021. Collection method: clinical testing. Allele origin: germline. Affected: yes.
Comment: Canonical splice site variant predicted to result in an in-frame loss of the adjacent exon in a gene for which loss of function is a known mechanism of disease; Not observed at significant frequency in large population cohorts (gnomAD); Has not been previously published as pathogenic or benign to our knowledge

Labcorp Genetics (formerly Invitae), Labcorp
Classification: Likely pathogenic. Last evaluated: 2023-11-17. Review status: criteria provided, single submitter. Criteria: Invitae Variant Classification Sherloc (09022015). Collection method: clinical testing. Allele origin: germline.
Comment: This sequence change affects a donor splice site in intron 6 of the COL11A2 gene. It is expected to disrupt RNA splicing. Variants that disrupt the donor or acceptor splice site typically lead to a loss of protein function (PMID: 16199547), and loss-of-function variants in COL11A2 are known to be pathogenic (PMID: 10677296, 21204229). This variant is not present in population databases (gnomAD no frequency). This variant has not been reported in the literature in individuals affected with COL11A2-related conditions. ClinVar contains an entry for this variant (Variation ID: 1481018). Algorithms developed to predict the effect of sequence changes on RNA splicing suggest that this variant may disrupt the consensus splice site. In summary, the currently available evidence indicates that the variant is pathogenic, but additional data are needed to prove that conclusively. Therefore, this variant has been classified as Likely Pathogenic.

Literature cited by the submitters: PubMed 16199547 (cited by Labcorp Genetics (formerly Invitae), Labcorp); PubMed 10677296 (cited by Labcorp Genetics (formerly Invitae), Labcorp); PubMed 21204229 (cited by Labcorp Genetics (formerly Invitae), Labcorp).

NM_080680.3(COL11A2):c.876+1G>A

Gene: COL11A2 (collagen type XI alpha 2 chain; minus strand). Cytogenetic location: 6p21.32.
Variant type: single nucleotide variant.
Coding change: c.876+1G>A on transcript NM_080680.3 (MANE Select); the canonical splice donor site of the intron after coding-DNA position 876, G replaced by A.
Molecular consequence: splice donor variant. On other transcripts: intron variant (2).
Genome position (GRCh38, 1-based): chr6:33,185,700, C>T on the plus strand (G>A on the coding strand, the complement: COL11A2 is on the minus strand). VCF-style: chr6-33185700-C-T. GRCh37 (hg19) VCF-style: chr6-33153477-C-T.
Other names: c.798+927G>A (NM_080679.3); c.799-646G>A (NM_080681.3).
Identifiers: ClinVar variation 1481018 (VCV001481018.7), dbSNP rs144041807, ClinGen allele CA363609542.